The following is an entry in ClinVar:

NM_018117.12(WDR11):c.1403T>C (p.Phe468Ser)

Gene: WDR11 (WD repeat domain 11; plus strand). Cytogenetic location: 10q26.12.
Variant type: single nucleotide variant.
Coding change: c.1403T>C on transcript NM_018117.12 (MANE Select); coding-DNA position 1403, T replaced by C.
Protein change: p.Phe468Ser; replaces phenylalanine 468 with serine.
Molecular consequence: missense variant.
Genome position (GRCh38, 1-based): chr10:120,871,278, T>C. VCF-style: chr10-120871278-T-C. GRCh37 (hg19) VCF-style: chr10-122630790-T-C.
Other names: short protein forms F468S.
Identifiers: ClinVar variation 4984064 (VCV004984064.1).

ClinVar aggregate classification (germline): Uncertain significance (1 of 4 stars; one submission).

Conditions:
WDR11-related disorder. Also called: WDR11-related condition.

Submission:

PreventionGenetics, part of Exact Sciences
Classification: Uncertain significance for WDR11-related condition. Last evaluated: 2025-05-19. Review status: criteria provided, single submitter. Criteria: ACMG Guidelines, 2015. Collection method: clinical testing. Allele origin: germline.
Comment: The WDR11 c.1403T>C variant is predicted to result in the amino acid substitution p.Phe468Ser. To our knowledge, this variant has not been reported in the literature or in a large population database (gnomAD), indicating this variant is rare. At this time, the clinical significance of this variant is uncertain due to the absence of conclusive functional and genetic evidence.